The following is an entry in ClinVar:

NM_000264.5(PTCH1):c.4258T>G (p.Cys1420Gly)

Gene: PTCH1 (patched 1; minus strand). Cytogenetic location: 9q22.32.
Variant type: single nucleotide variant.
Coding change: c.4258T>G on transcript NM_000264.5 (MANE Select); coding-DNA position 4258, T replaced by G.
Protein change: p.Cys1420Gly; replaces cysteine 1420 with glycine.
Molecular consequence: missense variant. On other transcripts: non-coding transcript variant (1).
Genome position (GRCh38, 1-based): chr9:95,446,998, A>C on the plus strand (T>G on the coding strand, the complement: PTCH1 is on the minus strand). VCF-style: chr9-95446998-A-C. GRCh37 (hg19) VCF-style: chr9-98209280-A-C.
Other names: c.4060T>G, p.Cys1354Gly (NM_001083602.3); c.4255T>G, p.Cys1419Gly (NM_001083603.3); c.3805T>G, p.Cys1269Gly (NM_001083604.3, NM_001083605.3, NM_001083606.3 and 1 more transcripts); c.4102T>G, p.Cys1368Gly (NM_001354918.2); short protein forms C1269G, C1354G, C1368G, C1419G, C1420G.
Identifiers: ClinVar variation 1739138 (VCV001739138.3), dbSNP rs864622068, ClinGen allele CA374110015.

ClinVar aggregate classification (germline): Uncertain significance (1 of 4 stars; one submission).

Conditions:
Hereditary cancer-predisposing syndrome. Also called: Hereditary Cancer Syndrome; Hereditary neoplastic syndrome; Neoplastic Syndromes, Hereditary; Tumor predisposition. Identifiers: Orphanet 140162, MedGen C0027672, MeSH D009386, MONDO:0015356.

Submission:

Ambry Genetics
Classification: Uncertain significance for Hereditary cancer-predisposing syndrome. Last evaluated: 2025-08-20. Review status: criteria provided, single submitter. Criteria: Ambry Variant Classification Scheme 2023. Collection method: clinical testing. Allele origin: germline.
Comment: The p.C1420G variant (also known as c.4258T>G), located in coding exon 23 of the PTCH1 gene, results from a T to G substitution at nucleotide position 4258. The cysteine at codon 1420 is replaced by glycine, an amino acid with highly dissimilar properties. This amino acid position is not well conserved in available vertebrate species. In addition, this alteration is predicted to be tolerated by in silico analysis. Since supporting evidence is limited at this time, the clinical significance of this alteration remains unclear.